The following is an entry in ClinVar:

NM_017617.5(NOTCH1):c.1007T>C (p.Ile336Thr)

Gene: NOTCH1 (notch receptor 1; minus strand). Cytogenetic location: 9q34.3.
Variant type: single nucleotide variant.
Coding change: c.1007T>C on transcript NM_017617.5 (MANE Select); coding-DNA position 1007, T replaced by C.
Protein change: p.Ile336Thr; replaces isoleucine 336 with threonine.
Molecular consequence: missense variant.
Genome position (GRCh38, 1-based): chr9:136,518,683, A>G on the plus strand (T>C on the coding strand, the complement: NOTCH1 is on the minus strand). VCF-style: chr9-136518683-A-G. GRCh37 (hg19) VCF-style: chr9-139413135-A-G.
Other names: short protein forms I336T.
Identifiers: ClinVar variation 1433644 (VCV001433644.11), dbSNP rs753734433, ClinGen allele CA5341960.

ClinVar aggregate classification (germline): Conflicting classifications of pathogenicity. Review status: criteria provided, conflicting classifications (1 of 4 stars). 2 submissions from 2 submitters: Uncertain significance (1); Likely benign (1). Last evaluated 2024-05-02.

Conditions:
Familial thoracic aortic aneurysm and aortic dissection (TAAD). Also called: Thoracic aortic aneurysms and dissections. Identifiers: Orphanet 91387, MedGen C4707243, MONDO:0019625.
Adams-Oliver syndrome 5 (AOS5). Identifiers: Orphanet 974, MedGen C4014970, MONDO:0014459, OMIM 616028.

Allele frequency attached by ClinVar (database versions not stated): ExAC 0.00001; gnomAD 0.00001; gnomAD exomes 0.00001; TOPMed 0.00003.
gnomAD v4.1: 13 of 1,612,608 alleles (0.00081%); highest among the groups gnomAD compares: African/African-American, 0.0027%; no homozygotes.

Submissions (2):

Ambry Genetics
Classification: Uncertain significance for Familial thoracic aortic aneurysm and aortic dissection. Last evaluated: 2024-05-02. Review status: criteria provided, single submitter. Criteria: Ambry Variant Classification Scheme 2023. Collection method: clinical testing. Allele origin: germline.
Comment: The p.I336T variant (also known as c.1007T>C), located in coding exon 6 of the NOTCH1 gene, results from a T to C substitution at nucleotide position 1007. The isoleucine at codon 336 is replaced by threonine, an amino acid with similar properties. This amino acid position is conserved. In addition, this alteration is predicted to be deleterious by in silico analysis. Since supporting evidence is limited at this time, the clinical significance of this alteration remains unclear.

Labcorp Genetics (formerly Invitae), Labcorp
Classification: Likely benign for Adams-Oliver syndrome 5. Last evaluated: 2023-11-28. Review status: criteria provided, single submitter. Criteria: Invitae Variant Classification Sherloc (09022015). Collection method: clinical testing. Allele origin: germline.